The following is an entry in ClinVar:

ClinVar aggregate classification (germline): Uncertain significance (1 of 4 stars; one submission).

Submission:

Labcorp Genetics (formerly Invitae), Labcorp
Classification: Uncertain significance. Last evaluated: 2022-06-01. Review status: criteria provided, single submitter. Criteria: Invitae Variant Classification Sherloc (09022015). Collection method: clinical testing. Allele origin: germline.
Comment: This sequence change replaces glycine, which is neutral and non-polar, with serine, which is neutral and polar, at codon 821 of the ERCC6 protein (p.Gly821Ser). This variant is not present in population databases (gnomAD no frequency). This variant has not been reported in the literature in individuals affected with ERCC6-related conditions. Algorithms developed to predict the effect of missense changes on protein structure and function output the following: SIFT: "Tolerated"; PolyPhen-2: "Benign"; Align-GVGD: "Class C0". The serine amino acid residue is found in multiple mammalian species, which suggests that this missense change does not adversely affect protein function. In summary, the available evidence is currently insufficient to determine the role of this variant in disease. Therefore, it has been classified as a Variant of Uncertain Significance.

NM_000124.4(ERCC6):c.2461G>A (p.Gly821Ser)

Gene: ERCC6 (ERCC excision repair 6, chromatin remodeling factor; minus strand). Cytogenetic location: 10q11.23.
Variant type: single nucleotide variant.
Coding change: c.2461G>A on transcript NM_000124.4 (MANE Select); coding-DNA position 2461, G replaced by A.
Protein change: p.Gly821Ser; replaces glycine 821 with serine.
Molecular consequence: missense variant.
Genome position (GRCh38, 1-based): chr10:49,474,164, C>T on the plus strand (G>A on the coding strand, the complement: ERCC6 is on the minus strand). VCF-style: chr10-49474164-C-T. GRCh37 (hg19) VCF-style: chr10-50682210-C-T.
Other names: c.2461G>A, p.Gly821Ser (NM_001346440.2); short protein forms G821S.
Identifiers: ClinVar variation 2001820 (VCV002001820.4), dbSNP rs2495984916, ClinGen allele CA376721666.
Genomic context (GRCh38, chr10:49,474,164, plus strand): 5'-TTTTCCCAGAACGTTTCCAGTACCCAAACTGATCTTCTTCTAGTTCATCATCAGGAAGAC[C>T]TTTGAGATTCTTGGGACCTCCAGAAAAGAGATCAGGGTGGTTGCAAATTTTTCTTAGGGC-3'
Protein context (NP_000115.1, residues 811-831): LFSGGPKNLK[Gly821Ser]LPDDELEEDQ